The following is an entry in ClinVar:

ClinVar aggregate classification (germline): Uncertain significance. Review status: criteria provided, multiple submitters, no conflicts (2 of 4 stars). 4 submissions from 4 submitters: Uncertain significance (3). 1 of the submissions does not count toward it. Last evaluated 2026-01-09.

Conditions:
Bardet-Biedl syndrome 14 (BBS14). Identifiers: Orphanet 110, MedGen C2673874, MONDO:0014442, OMIM 615991.
Joubert syndrome 5 (JBTS5). Identifiers: Orphanet 2318, MedGen C1857780, MONDO:0012432, OMIM 610188.
Senior-Loken syndrome 6 (SLSN6). Identifiers: Orphanet 3156, MedGen C1857779, MONDO:0012433, OMIM 610189.
Meckel syndrome, type 4 (MKS4). Also called: MECKEL-GRUBER SYNDROME, TYPE 4. Identifiers: Orphanet 564, MedGen C1970161, MONDO:0012626, OMIM 611134.
Leber congenital amaurosis 10 (LCA10). Identifiers: Orphanet 65, MedGen C1857821, MONDO:0012723, OMIM 611755.
CEP290-related disorder. Also called: CEP290-related condition; CEP290-related disorders. Identifiers: MedGen CN239314.
Nephronophthisis. Also called: Juvenile Nephronophthisis. Identifiers: Orphanet 655, MedGen C0687120, MONDO:0019005, HP:0000090.
Meckel-Gruber syndrome. Also called: GRUBER SYNDROME; Dysencephalia splachnocystica; DYSENCEPHALIA SPLANCHNOCYSTICA. Identifiers: Orphanet 564, MedGen C0265215, MONDO:0018921.
Joubert syndrome. Also called: Familial aplasia of the vermis; JOUBERT-BOLTSHAUSER SYNDROME. Identifiers: Orphanet 475, MedGen C5979921, MONDO:0018772.
Leber congenital amaurosis (LCA). Also called: Leber's amaurosis. Identifiers: Orphanet 65, MedGen C0339527, MeSH D057130, MONDO:0018998.

Allele frequency attached by ClinVar (database versions not stated): gnomAD exomes 0.00003; TOPMed 0.00006; gnomAD 0.00007.
gnomAD v4.1: 34 of 1,370,408 alleles (0.0025%); highest among the groups gnomAD compares: Non-Finnish European, 0.0032%; no homozygotes.

Submissions (4):

PreventionGenetics, part of Exact Sciences
Classification: Uncertain significance for CEP290-related condition. Last evaluated: 2026-01-09. Review status: criteria provided, single submitter. Criteria: ACMG Guidelines, 2015. Collection method: clinical testing. Allele origin: germline.
Comment: The CEP290 c.5395T>G variant is predicted to result in the amino acid substitution p.Leu1799Val. To our knowledge, this variant has not been reported in the literature. This variant is reported in 0.0061% of alleles in individuals of African descent in gnomAD. At this time, the clinical significance of this variant is uncertain due to the absence of conclusive functional and genetic evidence.

Labcorp Genetics (formerly Invitae), Labcorp
Classification: Uncertain significance for Joubert syndrome; Meckel-Gruber syndrome; Nephronophthisis. Last evaluated: 2024-07-22. Review status: criteria provided, single submitter. Criteria: Invitae Variant Classification Sherloc (09022015). Collection method: clinical testing. Allele origin: germline.
Comment: This sequence change replaces leucine, which is neutral and non-polar, with valine, which is neutral and non-polar, at codon 1799 of the CEP290 protein (p.Leu1799Val). This variant is present in population databases (no rsID available, gnomAD 0.006%). This variant has not been reported in the literature in individuals affected with CEP290-related conditions. ClinVar contains an entry for this variant (Variation ID: 990687). Advanced modeling of protein sequence and biophysical properties (such as structural, functional, and spatial information, amino acid conservation, physicochemical variation, residue mobility, and thermodynamic stability) performed at Invitae indicates that this missense variant is not expected to disrupt CEP290 protein function with a negative predictive value of 80%. In summary, the available evidence is currently insufficient to determine the role of this variant in disease. Therefore, it has been classified as a Variant of Uncertain Significance.

Fulgent Genetics
Classification: Uncertain significance for Joubert syndrome 5; Senior-Loken syndrome 6; Meckel syndrome, type 4; Leber congenital amaurosis 10; Bardet-Biedl syndrome 14. Last evaluated: 2022-04-21. Review status: criteria provided, single submitter. Criteria: ACMG Guidelines, 2015. Collection method: clinical testing. Allele origin: unknown.

Natera, Inc.
Classification: Uncertain significance for Leber congenital amaurosis. Last evaluated: 2020-04-17. Review status: no assertion criteria provided. Collection method: clinical testing. Allele origin: germline. Not counted in ClinVar's aggregate classification.

NM_025114.4(CEP290):c.5395T>G (p.Leu1799Val)

Gene: CEP290 (centrosomal protein 290; minus strand). Cytogenetic location: 12q21.32.
Variant type: single nucleotide variant.
Coding change: c.5395T>G on transcript NM_025114.4 (MANE Select); coding-DNA position 5395, T replaced by G.
Protein change: p.Leu1799Val; replaces leucine 1799 with valine.
Molecular consequence: missense variant.
Genome position (GRCh38, 1-based): chr12:88,077,888, A>C on the plus strand (T>G on the coding strand, the complement: CEP290 is on the minus strand). VCF-style: chr12-88077888-A-C. GRCh37 (hg19) VCF-style: chr12-88471665-A-C.
Other names: c.5395T>G (NM_025114.3); short protein forms L1799V.
Identifiers: ClinVar variation 990687 (VCV000990687.9), dbSNP rs1289111857, ClinGen allele CA385989181.